The following is an entry in ClinVar:

ClinVar aggregate classification (germline): Uncertain significance. Review status: criteria provided, multiple submitters, no conflicts (2 of 4 stars). 2 submissions from 2 submitters: Uncertain significance (2). Last evaluated 2025-11-17.

Allele frequency attached by ClinVar (database versions not stated): gnomAD 0.00001; gnomAD exomes 0.00001; TOPMed 0.00001.
gnomAD v4.1: 7 of 1,210,549 alleles (0.00058%); highest among the groups gnomAD compares: Non-Finnish European, 0.00078%; no homozygotes.

Submissions (2):

Labcorp Genetics (formerly Invitae), Labcorp
Classification: Uncertain significance. Last evaluated: 2025-11-17. Review status: criteria provided, single submitter. Criteria: Invitae Variant Classification Sherloc (09022015). Collection method: clinical testing. Allele origin: germline.
Comment: This sequence change replaces leucine, which is neutral and non-polar, with isoleucine, which is neutral and non-polar, at codon 153 of the TLR7 protein (p.Leu153Ile). This variant is not present in population databases (gnomAD no frequency). This variant has not been reported in the literature in individuals affected with TLR7-related conditions. ClinVar contains an entry for this variant (Variation ID: 2188890). An algorithm developed to predict the effect of missense changes on protein structure and function (PolyPhen-2) suggests that this variant is likely to be disruptive. In summary, the available evidence is currently insufficient to determine the role of this variant in disease. Therefore, it has been classified as a Variant of Uncertain Significance.

Ambry Genetics
Classification: Uncertain significance. Last evaluated: 2025-06-29. Review status: criteria provided, single submitter. Criteria: Ambry Variant Classification Scheme 2023. Collection method: clinical testing. Allele origin: germline.

NM_016562.4(TLR7):c.457C>A (p.Leu153Ile)

Gene: TLR7 (toll like receptor 7; plus strand). Cytogenetic location: Xp22.2.
Variant type: single nucleotide variant.
Coding change: c.457C>A on transcript NM_016562.4 (MANE Select); coding-DNA position 457, C replaced by A.
Protein change: p.Leu153Ile; replaces leucine 153 with isoleucine.
Molecular consequence: missense variant.
Genome position (GRCh38, 1-based): chrX:12,885,965, C>A. VCF-style: chrX-12885965-C-A. GRCh37 (hg19) VCF-style: chrX-12904084-C-A.
Other names: c.457C>A (NM_016562.3); short protein forms L153I.
Identifiers: ClinVar variation 2188890 (VCV002188890.5), dbSNP rs1569109239, ClinGen allele CA412404863.
Genomic context (GRCh38, chrX:12,885,965, plus strand): 5'-TACCTGGATGGAAACCAGCTACTAGAGATACCGCAGGGCCTCCCGCCTAGCTTACAGCTT[C>A]TCAGCCTTGAGGCCAACAACATCTTTTCCATCAGAAAAGAGAATCTAACAGAACTGGCCA-3'
Protein context (NP_057646.1, residues 143-163): PQGLPPSLQL[Leu153Ile]SLEANNIFSI